The following is an entry in ClinVar:

NM_020297.4(ABCC9):c.1907G>C (p.Gly636Ala)

Gene: ABCC9 (ATP binding cassette subfamily C member 9; minus strand). Cytogenetic location: 12p12.1.
Variant type: single nucleotide variant.
Coding change: c.1907G>C on transcript NM_020297.4 (MANE Select); coding-DNA position 1907, G replaced by C.
Protein change: p.Gly636Ala; replaces glycine 636 with alanine.
Molecular consequence: missense variant.
Genome position (GRCh38, 1-based): chr12:21,887,830, C>G on the plus strand (G>C on the coding strand, the complement: ABCC9 is on the minus strand). VCF-style: chr12-21887830-C-G. GRCh37 (hg19) VCF-style: chr12-22040764-C-G.
Other names: c.1907G>C, p.Gly636Ala (NM_001377273.1, NM_005691.4); c.1043G>C, p.Gly348Ala (NM_001377274.1); short protein forms G348A, G636A.
Identifiers: ClinVar variation 4811504 (VCV004811504.1).

ClinVar aggregate classification (germline): Uncertain significance (1 of 4 stars; one submission).

Conditions:
Dilated cardiomyopathy 1O (CMD1O). Also called: CARDIOMYOPATHY, DILATED, WITH VENTRICULAR TACHYCARDIA. Identifiers: Orphanet 154, MedGen C1837839, MONDO:0012062, OMIM 608569.

Submission:

Labcorp Genetics (formerly Invitae), Labcorp
Classification: Uncertain significance for Dilated cardiomyopathy 1O. Last evaluated: 2025-11-24. Review status: criteria provided, single submitter. Criteria: Invitae Variant Classification Sherloc (09022015). Collection method: clinical testing. Allele origin: germline.
Comment: This sequence change replaces glycine, which is neutral and non-polar, with alanine, which is neutral and non-polar, at codon 636 of the ABCC9 protein (p.Gly636Ala). This variant is not present in population databases (gnomAD no frequency). This variant has not been reported in the literature in individuals affected with ABCC9-related conditions. Invitae Evidence Modeling of protein sequence and biophysical properties (such as structural, functional, and spatial information, amino acid conservation, physicochemical variation, residue mobility, and thermodynamic stability) indicates that this missense variant is not expected to disrupt ABCC9 protein function with a negative predictive value of 95%. In summary, the available evidence is currently insufficient to determine the role of this variant in disease. Therefore, it has been classified as a Variant of Uncertain Significance.